The following is an entry in ClinVar:

ClinVar aggregate classification (germline): Uncertain significance. Review status: criteria provided, multiple submitters, no conflicts (2 of 4 stars). 4 submissions from 4 submitters: Uncertain significance (4). Last evaluated 2026-08-01.

Conditions:
Inborn genetic diseases. Identifiers: MedGen C0950123, MeSH D030342.

Allele frequency attached by ClinVar (database versions not stated): ExAC 0.00001; gnomAD exomes 0.00001; gnomAD 0.00002; TOPMed 0.00002.
gnomAD v4.1: 12 of 1,614,094 alleles (0.00074%); highest among the groups gnomAD compares: Non-Finnish European, 0.001%; no homozygotes.

Submissions (4):

CeGaT Center for Human Genetics Tuebingen
Classification: Uncertain significance. Last evaluated: 2026-08-01. Review status: criteria provided, single submitter. Criteria: CeGaT Center For Human Genetics Tuebingen Variant Classification Criteria Version 2. Collection method: clinical testing. Allele origin: germline. Affected: yes. Observed: 1 variant allele.
Comment: SPTBN2: PM2, BP4

Ambry Genetics
Classification: Uncertain significance for Inborn genetic diseases. Last evaluated: 2025-05-16. Review status: criteria provided, single submitter. Criteria: Ambry Variant Classification Scheme 2023. Collection method: clinical testing. Allele origin: germline.

Labcorp Genetics (formerly Invitae), Labcorp
Classification: Uncertain significance. Last evaluated: 2022-05-05. Review status: criteria provided, single submitter. Criteria: Invitae Variant Classification Sherloc (09022015). Collection method: clinical testing. Allele origin: germline.
Comment: This sequence change replaces histidine, which is basic and polar, with aspartic acid, which is acidic and polar, at codon 1282 of the SPTBN2 protein (p.His1282Asp). This variant is present in population databases (rs778241858, gnomAD 0.003%). This variant has not been reported in the literature in individuals affected with SPTBN2-related conditions. ClinVar contains an entry for this variant (Variation ID: 448500). Advanced modeling of protein sequence and biophysical properties (such as structural, functional, and spatial information, amino acid conservation, physicochemical variation, residue mobility, and thermodynamic stability) performed at Invitae indicates that this missense variant is not expected to disrupt SPTBN2 protein function. In summary, the available evidence is currently insufficient to determine the role of this variant in disease. Therefore, it has been classified as a Variant of Uncertain Significance.

Athena Diagnostics
Classification: Uncertain significance. Last evaluated: 2017-03-14. Review status: criteria provided, single submitter. Criteria: Athena Diagnostics Criteria. Collection method: clinical testing. Allele origin: germline.

NM_006946.4(SPTBN2):c.3844C>G (p.His1282Asp)

Gene: SPTBN2 (spectrin beta, non-erythrocytic 2; minus strand). Cytogenetic location: 11q13.2.
Variant type: single nucleotide variant.
Coding change: c.3844C>G on transcript NM_006946.4 (MANE Select); coding-DNA position 3844, C replaced by G.
Protein change: p.His1282Asp; replaces histidine 1282 with aspartic acid.
Molecular consequence: missense variant.
Genome position (GRCh38, 1-based): chr11:66,699,015, G>C on the plus strand (C>G on the coding strand, the complement: SPTBN2 is on the minus strand). VCF-style: chr11-66699015-G-C. GRCh37 (hg19) VCF-style: chr11-66466486-G-C.
Other names: short protein forms H1282D.
Identifiers: ClinVar variation 448500 (VCV000448500.7), dbSNP rs778241858, ClinGen allele CA6128742.